The following is an entry in ClinVar:

ClinVar aggregate classification (germline): Uncertain significance. Review status: criteria provided, multiple submitters, no conflicts (2 of 4 stars). 2 submissions from 2 submitters: Uncertain significance (2). Last evaluated 2025-12-08.

Conditions:
Cardiovascular phenotype. Identifiers: MedGen CN230736.
ANKRD1-related dilated cardiomyopathy. Identifiers: MedGen CN119551.

Allele frequency attached by ClinVar (database versions not stated): ExAC 0.00001; gnomAD 0.00001; gnomAD exomes 0.00001; TOPMed 0.00002.

Submissions (2):

Labcorp Genetics (formerly Invitae), Labcorp
Classification: Uncertain significance for ANKRD1-related dilated cardiomyopathy. Last evaluated: 2025-12-08. Review status: criteria provided, single submitter. Criteria: Invitae Variant Classification Sherloc (09022015). Collection method: clinical testing. Allele origin: germline.
Comment: This sequence change replaces glycine, which is neutral and non-polar, with alanine, which is neutral and non-polar, at codon 18 of the ANKRD1 protein (p.Gly18Ala). This variant is present in population databases (rs756262750, gnomAD 0.007%). This variant has not been reported in the literature in individuals affected with ANKRD1-related conditions. ClinVar contains an entry for this variant (Variation ID: 1747299). An algorithm developed to predict the effect of missense changes on protein structure and function (PolyPhen-2) suggests that this variant is likely to be tolerated. In summary, the available evidence is currently insufficient to determine the role of this variant in disease. Therefore, it has been classified as a Variant of Uncertain Significance.

Ambry Genetics
Classification: Uncertain significance for Cardiovascular phenotype. Last evaluated: 2021-05-27. Review status: criteria provided, single submitter. Criteria: Ambry Variant Classification Scheme 2023. Collection method: clinical testing. Allele origin: germline.
Comment: The p.G18A variant (also known as c.53G>C), located in coding exon 2 of the ANKRD1 gene, results from a G to C substitution at nucleotide position 53. The glycine at codon 18 is replaced by alanine, an amino acid with similar properties. This amino acid position is not well conserved in available vertebrate species. In addition, this alteration is predicted to be tolerated by in silico analysis. Since supporting evidence is limited at this time, the clinical significance of this alteration remains unclear.

NM_014391.3(ANKRD1):c.53G>C (p.Gly18Ala)

Gene: ANKRD1 (ankyrin repeat domain 1; minus strand). Cytogenetic location: 10q23.31.
Variant type: single nucleotide variant.
Coding change: c.53G>C on transcript NM_014391.3 (MANE Select); coding-DNA position 53, G replaced by C.
Protein change: p.Gly18Ala; replaces glycine 18 with alanine.
Molecular consequence: missense variant.
Genome position (GRCh38, 1-based): chr10:90,920,323, C>G on the plus strand (G>C on the coding strand, the complement: ANKRD1 is on the minus strand). VCF-style: chr10-90920323-C-G. GRCh37 (hg19) VCF-style: chr10-92680080-C-G.
Other names: short protein forms G18A.
Identifiers: ClinVar variation 1747299 (VCV001747299.3), dbSNP rs756262750, ClinGen allele CA5598852.